The following is an entry in ClinVar:

NM_006087.4(TUBB4A):c.953G>A (p.Arg318Gln)

Gene: TUBB4A (tubulin beta 4A class IVa; minus strand). Cytogenetic location: 19p13.3.
Variant type: single nucleotide variant.
Coding change: c.953G>A on transcript NM_006087.4 (MANE Select); coding-DNA position 953, G replaced by A.
Protein change: p.Arg318Gln; replaces arginine 318 with glutamine.
Molecular consequence: missense variant.
Genome position (GRCh38, 1-based): chr19:6,495,546, C>T on the plus strand (G>A on the coding strand, the complement: TUBB4A is on the minus strand). VCF-style: chr19-6495546-C-T. GRCh37 (hg19) VCF-style: chr19-6495557-C-T.
Other names: c.1106G>A, p.Arg369Gln (NM_001289123.2); c.1088G>A, p.Arg363Gln (NM_001289127.2); c.953G>A, p.Arg318Gln (NM_001289129.2); c.737G>A, p.Arg246Gln (NM_001289130.2, NM_001289131.2); short protein forms R318Q, R363Q, R369Q, R246Q.
Identifiers: ClinVar variation 2986283 (VCV002986283.3), dbSNP rs2512752665, ClinGen allele CA403590271.

ClinVar aggregate classification (germline): Uncertain significance. Review status: criteria provided, multiple submitters, no conflicts (2 of 4 stars). 2 submissions from 2 submitters: Uncertain significance (2). Last evaluated 2026-01-06.

Conditions:
Leukodystrophy, hypomyelinating, 6. Also called: LEUKODYSTROPHY, HYPOMYELINATING, WITH ATROPHY OF THE BASAL GANGLIA AND CEREBELLUM; TUBB4A-Associated Leukodystrophy; Hypomyelination with Atrophy of Basal Ganglia and Cerebellum (H-ABC). Identifiers: Orphanet 139441, MedGen C2676244, MONDO:0012905, OMIM 612438.

Allele frequency attached by ClinVar (database versions not stated): gnomAD exomes below 0.00001.

Submissions (2):

Dasa
Classification: Uncertain significance. Last evaluated: 2026-01-06. Review status: criteria provided, single submitter. Criteria: DASA Assertion Criteria. Collection method: clinical testing. Allele origin: germline.
Comment: NM_006087.4(TUBB4A):c.953G>A (p.Arg318Gln) is a missense variant that results in the substitution of arginine with glutamine. The affected residue or protein region has prior evidence supporting clinical relevance. This variant is rare in population databases. Computational prediction algorithms are consistent with a deleterious effect. The currently available literature and clinical evidence are not sufficient to establish a definitive association between this variant and the reported condition. Therefore, this variant is classified as a variant of uncertain significance.

Labcorp Genetics (formerly Invitae), Labcorp
Classification: Uncertain significance for Leukodystrophy, hypomyelinating, 6. Last evaluated: 2023-01-07. Review status: criteria provided, single submitter. Criteria: Invitae Variant Classification Sherloc (09022015). Collection method: clinical testing. Allele origin: germline.
Comment: This variant has not been reported in the literature in individuals affected with TUBB4A-related conditions. This variant is not present in population databases (gnomAD no frequency). This sequence change replaces arginine, which is basic and polar, with glutamine, which is neutral and polar, at codon 318 of the TUBB4A protein (p.Arg318Gln). Advanced modeling of protein sequence and biophysical properties (such as structural, functional, and spatial information, amino acid conservation, physicochemical variation, residue mobility, and thermodynamic stability) performed at Invitae indicates that this missense variant is expected to disrupt TUBB4A protein function. In summary, the available evidence is currently insufficient to determine the role of this variant in disease. Therefore, it has been classified as a Variant of Uncertain Significance.